The following is an entry in ClinVar:

ClinVar aggregate classification (germline): Likely pathogenic (1 of 4 stars; one submission).

Submission:

GeneDx
Classification: Likely pathogenic. Last evaluated: 2018-01-11. Review status: criteria provided, single submitter. Criteria: GeneDx Variant Classification (06012015). Collection method: clinical testing. Allele origin: germline. Affected: yes.
Comment: The R249X variant has not been published as a pathogenic variant, nor has it been reported as a benign variant to our knowledge. The R249X variant is not observed in large population cohorts (Lek et al., 2016). The R249X variant is predicted to cause loss of normal protein function through protein truncation. In summary, we interpret this variant as likely pathogenic.

NM_002408.4(MGAT2):c.745C>T (p.Arg249Ter)

Gene: MGAT2 (alpha-1,6-mannosyl-glycoprotein 2-beta-N-acetylglucosaminyltransferase; plus strand). Cytogenetic location: 14q21.3.
Variant type: single nucleotide variant.
Coding change: c.745C>T on transcript NM_002408.4 (MANE Select); coding-DNA position 745, C replaced by T.
Protein change: p.Arg249Ter; replaces arginine 249 with a stop codon.
Molecular consequence: nonsense.
Genome position (GRCh38, 1-based): chr14:49,622,013, C>T. VCF-style: chr14-49622013-C-T. GRCh37 (hg19) VCF-style: chr14-50088731-C-T.
Other names: short protein forms R249*.
Identifiers: ClinVar variation 489288 (VCV000489288.2), dbSNP rs1555327099, ClinGen allele CA389620264.